The following is an entry in ClinVar:

NM_012309.5(SHANK2):c.4285G>A (p.Ala1429Thr)

Gene: SHANK2 (SH3 and multiple ankyrin repeat domains 2; minus strand). Cytogenetic location: 11q13.3.
Variant type: single nucleotide variant.
Coding change: c.4285G>A on transcript NM_012309.5 (MANE Select); coding-DNA position 4285, G replaced by A.
Protein change: p.Ala1429Thr; replaces alanine 1429 with threonine.
Molecular consequence: missense variant.
Genome position (GRCh38, 1-based): chr11:70,486,008, C>T on the plus strand (G>A on the coding strand, the complement: SHANK2 is on the minus strand). VCF-style: chr11-70486008-C-T. GRCh37 (hg19) VCF-style: chr11-70332113-C-T.
Other names: c.4234G>A, p.Ala1412Thr (NM_001441032.1, NM_001441033.1, NM_001441034.1 and 8 more transcripts); c.4207G>A, p.Ala1403Thr (NM_001441035.1, NM_001441036.1, NM_001441037.1); c.4162G>A, p.Ala1388Thr (NM_001441038.1); c.3118G>A, p.Ala1040Thr (NM_001441040.1); c.3070G>A, p.Ala1024Thr (NM_001441041.1); c.2512G>A, p.Ala838Thr (NM_001441042.1); c.2500G>A, p.Ala834Thr (NM_001441043.1); c.2491G>A, p.Ala831Thr (NM_001441044.1); and 6 more; short protein forms A1024T, A1040T, A1050T, A1388T, A1403T, A1412T, A1429T, A1469T.
Identifiers: ClinVar variation 4084141 (VCV004084141.8).

ClinVar aggregate classification (germline): Likely benign (1 of 4 stars; one submission).

gnomAD v4.1: 35 of 1,613,974 alleles (0.0022%); highest among the groups gnomAD compares: Non-Finnish European, 0.0029%; no homozygotes.

Submission:

CeGaT Center for Human Genetics Tuebingen
Classification: Likely benign. Last evaluated: 2025-07-01. Review status: criteria provided, single submitter. Criteria: CeGaT Center For Human Genetics Tuebingen Variant Classification Criteria Version 2. Collection method: clinical testing. Allele origin: germline. Affected: yes. Observed: 1 variant allele.
Comment: SHANK2: BP4, BS2